The following is an entry in ClinVar:

ClinVar aggregate classification (germline): Likely benign (1 of 4 stars; one submission).

Conditions:
TUBA4A-related disorder. Also called: TUBA4A-related condition.

Submission:

PreventionGenetics, part of Exact Sciences
Classification: Likely benign for TUBA4A-related condition. Last evaluated: 2025-02-13. Review status: criteria provided, single submitter. Criteria: ACMG Guidelines, 2015. Collection method: clinical testing. Allele origin: germline.
Comment: This variant is classified as likely benign based on ACMG/AMP sequence variant interpretation guidelines (Richards et al. 2015 PMID: 25741868, with internal and published modifications).

NM_006000.3(TUBA4A):c.477T>G (p.Val159=)

Gene: TUBA4A (tubulin alpha 4a; minus strand). Cytogenetic location: 2q35.
Variant type: single nucleotide variant.
Coding change: c.477T>G on transcript NM_006000.3 (MANE Select); coding-DNA position 477, T replaced by G.
Protein change: p.Val159=; no amino-acid change (valine 159 retained).
Molecular consequence: synonymous variant.
Genome position (GRCh38, 1-based): chr2:219,251,222, A>C on the plus strand (T>G on the coding strand, the complement: TUBA4A is on the minus strand). VCF-style: chr2-219251222-A-C. GRCh37 (hg19) VCF-style: chr2-220115944-A-C.
Other names: c.432T>G, p.Val144= (NM_001278552.2).
Identifiers: ClinVar variation 4989202 (VCV004989202.1).